The following is an entry in ClinVar:

NM_001040108.2(MLH3):c.3380A>G (p.Asp1127Gly)

Gene: MLH3 (mutL homolog 3; minus strand). Cytogenetic location: 14q24.3.
Variant type: single nucleotide variant.
Coding change: c.3380A>G on transcript NM_001040108.2 (MANE Select); coding-DNA position 3380, A replaced by G.
Protein change: p.Asp1127Gly; replaces aspartic acid 1127 with glycine.
Molecular consequence: missense variant.
Genome position (GRCh38, 1-based): chr14:75,041,700, T>C on the plus strand (A>G on the coding strand, the complement: MLH3 is on the minus strand). VCF-style: chr14-75041700-T-C. GRCh37 (hg19) VCF-style: chr14-75508403-T-C.
Other names: c.3380A>G, p.Asp1127Gly (NM_014381.3); short protein forms D1127G.
Identifiers: ClinVar variation 1730818 (VCV001730818.2), dbSNP rs1482361507, ClinGen allele CA390431277.

ClinVar aggregate classification (germline): Uncertain significance (1 of 4 stars; one submission).

Allele frequency attached by ClinVar (database versions not stated): gnomAD exomes below 0.00001; TOPMed below 0.00001.
gnomAD v4.1: 1 of 1,612,170 alleles (0.000062%); highest among the groups gnomAD compares: South Asian, 0.0011%; no homozygotes.

Submission:

Ambry Genetics
Classification: Uncertain significance. Last evaluated: 2022-01-01. Review status: criteria provided, single submitter. Criteria: Ambry Variant Classification Scheme 2023. Collection method: clinical testing. Allele origin: germline.
Comment: The p.D1127G variant (also known as c.3380A>G) is located in coding exon 3 of the MLH3 gene. The aspartic acid at codon 1127 is replaced by glycine, an amino acid with similar properties. This change occurs in the first base pair of coding exon 3. This amino acid position is conserved. In addition, this alteration is predicted to be tolerated by in silico analysis. Since supporting evidence is limited at this time, the clinical significance of this alteration remains unclear.